The following is an entry in ClinVar:

ClinVar aggregate classification (germline): Uncertain significance (1 of 4 stars; one submission).

gnomAD v4.1: 28 of 1,613,274 alleles (0.0017%); highest among the groups gnomAD compares: East Asian, 0.018%; no homozygotes.

Submission:

Labcorp Genetics (formerly Invitae), Labcorp
Classification: Uncertain significance. Last evaluated: 2024-09-21. Review status: criteria provided, single submitter. Criteria: Invitae Variant Classification Sherloc (09022015). Collection method: clinical testing. Allele origin: germline.
Comment: This sequence change replaces alanine, which is neutral and non-polar, with valine, which is neutral and non-polar, at codon 46 of the TELO2 protein (p.Ala46Val). This variant is present in population databases (rs567131148, gnomAD 0.03%). This variant has not been reported in the literature in individuals affected with TELO2-related conditions. An algorithm developed to predict the effect of missense changes on protein structure and function outputs the following: PolyPhen-2: "Benign". The valine amino acid residue is found in multiple mammalian species, which suggests that this missense change does not adversely affect protein function. In summary, the available evidence is currently insufficient to determine the role of this variant in disease. Therefore, it has been classified as a Variant of Uncertain Significance.

NM_016111.4(TELO2):c.137C>T (p.Ala46Val)

Gene: TELO2 (telomere maintenance 2; plus strand). Cytogenetic location: 16p13.3.
Variant type: single nucleotide variant.
Coding change: c.137C>T on transcript NM_016111.4 (MANE Select); coding-DNA position 137, C replaced by T.
Protein change: p.Ala46Val; replaces alanine 46 with valine.
Molecular consequence: missense variant.
Genome position (GRCh38, 1-based): chr16:1,494,418, C>T. VCF-style: chr16-1494418-C-T. GRCh37 (hg19) VCF-style: chr16-1544419-C-T.
Other names: c.137C>T, p.Ala46Val (NM_001351846.2); short protein forms A46V.
Identifiers: ClinVar variation 3702650 (VCV003702650.2).
Genomic context (GRCh38, chr16:1,494,418, plus strand): 5'-GCCACATCTTCTGCACCCTGGAGTCCCTGAAGCGGTATCTCGGTGAGATGGAGCCTCCAG[C>T]GCTCCCGAGGGAGAAGGAGGAGTTTGCCTCGGCCCACTTCTCGCCTGTCCTCAGATGTCT-3'
Protein context (NP_057195.2, residues 36-56): KRYLGEMEPP[Ala46Val]LPREKEEFAS